The following is an entry in ClinVar:

ClinVar aggregate classification (germline): Uncertain significance (1 of 4 stars; one submission).

Submission:

GeneDx
Classification: Uncertain significance. Last evaluated: 2018-11-26. Review status: criteria provided, single submitter. Criteria: GeneDx Variant Classification Process June 2021. Collection method: clinical testing. Allele origin: germline. Affected: yes.
Comment: Has not been previously published as pathogenic or benign to our knowledge; In-silico analysis, which includes splice predictors and evolutionary conservation, is inconclusive as to whether the variant alters gene splicing. In the absence of RNA/functional studies, the actual effect of this sequence change is unknown.; Not observed in large population cohorts (Lek et al., 2016)

NM_001110556.2(FLNA):c.2944+6T>C

Gene: FLNA (filamin A; minus strand). Cytogenetic location: Xq28.
Variant type: single nucleotide variant.
Coding change: c.2944+6T>C on transcript NM_001110556.2 (MANE Select); 6 bases into the intron after coding-DNA position 2944, T replaced by C.
Molecular consequence: intron variant.
Genome position (GRCh38, 1-based): chrX:154,361,664, A>G on the plus strand (T>C on the coding strand, the complement: FLNA is on the minus strand). VCF-style: chrX-154361664-A-G. GRCh37 (hg19) VCF-style: chrX-153590032-A-G.
Other names: c.2944+6T>C (NM_001456.4).
Identifiers: ClinVar variation 1304345 (VCV001304345.2), dbSNP rs2148113679, ClinGen allele CA2573055162.